The following is an entry in ClinVar:

ClinVar aggregate classification (germline): Pathogenic. Review status: criteria provided, multiple submitters, no conflicts (2 of 4 stars). 3 submissions from 3 submitters: Pathogenic (3). Last evaluated 2025-09-10.

Conditions:
Autosomal recessive ataxia, Beauce type. Also called: SYNE1-Related Autosomal Recessive Cerebellar Ataxia; SYNE1 Deficiency; Spinocerebellar ataxia, autosomal recessive 8; ATAXIA, RECESSIVE, OF BEAUCE. Identifiers: Orphanet 88644, MedGen C1853116, MONDO:0012549, OMIM 610743.
Emery-Dreifuss muscular dystrophy 4, autosomal dominant (EDMD4). Also called: EMERY-DREIFUSS MUSCULAR DYSTROPHY 4 WITH VARIABLE FEATURES. Identifiers: Orphanet 261, MedGen C2751807, MONDO:0013071, OMIM 612998.

Allele frequency attached by ClinVar (database versions not stated): gnomAD 0.00001; TOPMed 0.00002.
gnomAD v4.1: 6 of 1,613,718 alleles (0.00037%); highest among the groups gnomAD compares: East Asian, 0.0045%; no homozygotes.

Submissions (3):

Genomic Medicine Center of Excellence, King Faisal Specialist Hospital and Research Centre
Classification: Pathogenic for Autosomal recessive ataxia, Beauce type. Last evaluated: 2025-09-10. Review status: criteria provided, single submitter. Criteria: ACMG Guidelines, 2015. Collection method: clinical testing. Allele origin: germline.

Labcorp Genetics (formerly Invitae), Labcorp
Classification: Pathogenic for Emery-Dreifuss muscular dystrophy 4, autosomal dominant; Autosomal recessive ataxia, Beauce type. Last evaluated: 2025-02-04. Review status: criteria provided, single submitter. Criteria: Invitae Variant Classification Sherloc (09022015). Collection method: clinical testing. Allele origin: germline.
Comment: This sequence change creates a premature translational stop signal (p.Arg125*) in the SYNE1 gene. It is expected to result in an absent or disrupted protein product. Loss-of-function variants in SYNE1 are known to be pathogenic (PMID: 19542096, 24319099, 27086870). This variant is present in population databases (no rsID available, gnomAD 0.006%). This premature translational stop signal has been observed in individual(s) with cerebellar ataxia (PMID: 23959263). ClinVar contains an entry for this variant (Variation ID: 1323670). Algorithms developed to predict the effect of sequence changes on RNA splicing suggest that this variant may disrupt the consensus splice site. For these reasons, this variant has been classified as Pathogenic.

Revvity Omics, Revvity
Classification: Pathogenic. Last evaluated: 2022-02-22. Review status: criteria provided, single submitter. Criteria: ACMG Guidelines, 2015. Collection method: clinical testing. Allele origin: germline.

Literature cited by the submitters: PubMed 19542096 (cited by Labcorp Genetics (formerly Invitae), Labcorp); PubMed 24319099 (cited by Labcorp Genetics (formerly Invitae), Labcorp); PubMed 27086870 (cited by Labcorp Genetics (formerly Invitae), Labcorp); PubMed 23959263 (cited by Labcorp Genetics (formerly Invitae), Labcorp).

NM_182961.4(SYNE1):c.352C>T (p.Arg118Ter)

Gene: SYNE1 (spectrin repeat containing nuclear envelope protein 1; minus strand). Cytogenetic location: 6q25.2.
Variant type: single nucleotide variant.
Coding change: c.352C>T on transcript NM_182961.4 (MANE Select); coding-DNA position 352, C replaced by T.
Protein change: p.Arg118Ter; replaces arginine 118 with a stop codon.
Molecular consequence: nonsense.
Genome position (GRCh38, 1-based): chr6:152,511,061, G>A on the plus strand (C>T on the coding strand, the complement: SYNE1 is on the minus strand). VCF-style: chr6-152511061-G-A. GRCh37 (hg19) VCF-style: chr6-152832196-G-A.
Other names: c.373C>T, p.Arg125Ter (NM_033071.5); short protein forms R118*, R125*.
Identifiers: ClinVar variation 1323670 (VCV001323670.6), dbSNP rs1473936270, ClinGen allele CA366151272.